The following is an entry in ClinVar:

NM_000399.5(EGR2):c.614C>T (p.Pro205Leu)

Gene: EGR2 (early growth response 2; minus strand). Cytogenetic location: 10q21.3.
Variant type: single nucleotide variant.
Coding change: c.614C>T on transcript NM_000399.5 (MANE Select); coding-DNA position 614, C replaced by T.
Protein change: p.Pro205Leu; replaces proline 205 with leucine.
Molecular consequence: missense variant.
Genome position (GRCh38, 1-based): chr10:62,814,024, G>A on the plus strand (C>T on the coding strand, the complement: EGR2 is on the minus strand). VCF-style: chr10-62814024-G-A. GRCh37 (hg19) VCF-style: chr10-64573784-G-A.
Other names: c.614C>T, p.Pro205Leu (NM_001136177.3, NM_001136178.2); c.464C>T, p.Pro155Leu (NM_001136179.3, NM_001321037.2); short protein forms P155L, P205L.
Identifiers: ClinVar variation 1392522 (VCV001392522.6), dbSNP rs2132705403, ClinGen allele CA377029684.
Genomic context (GRCh38, chr10:62,814,024, plus strand): 5'-TCTGGGATCATTGGGAAGAGACCTGGGTCCGTGGCTGGCTTGGGGGATGGATAGGAAGGA[G>A]GTGGTGGGTAGGCCAGAGAGGAAGAGGTGGAGGTGGTGGCTGCTGACAGGAACGCAGAAG-3'
Protein context (NP_000390.2, residues 195-215): STSSSLAYPP[Pro205Leu]PSYPSPKPAT

ClinVar aggregate classification (germline): Uncertain significance (1 of 4 stars; one submission).

Conditions:
Charcot-Marie-Tooth disease, type I (CMT1). Also called: Charcot-Marie-Tooth, Type 1; Charcot-Marie-Tooth disease type 1. Identifiers: Orphanet 65753, MedGen C0751036, MONDO:0019011.

Submission:

Labcorp Genetics (formerly Invitae), Labcorp
Classification: Uncertain significance for Charcot-Marie-Tooth disease, type I. Last evaluated: 2022-07-06. Review status: criteria provided, single submitter. Criteria: Invitae Variant Classification Sherloc (09022015). Collection method: clinical testing. Allele origin: germline.
Comment: This variant has not been reported in the literature in individuals affected with EGR2-related conditions. In summary, the available evidence is currently insufficient to determine the role of this variant in disease. Therefore, it has been classified as a Variant of Uncertain Significance. Algorithms developed to predict the effect of missense changes on protein structure and function are either unavailable or do not agree on the potential impact of this missense change (SIFT: "Not Available"; PolyPhen-2: "Possibly Damaging"; Align-GVGD: "Not Available"). ClinVar contains an entry for this variant (Variation ID: 1392522). This variant is not present in population databases (gnomAD no frequency). This sequence change replaces proline, which is neutral and non-polar, with leucine, which is neutral and non-polar, at codon 205 of the EGR2 protein (p.Pro205Leu).